The following is an entry in ClinVar:

ClinVar aggregate classification (germline): Uncertain significance (1 of 4 stars; one submission).

gnomAD v4.1: 1 of 1,611,144 alleles (0.000062%); highest among the groups gnomAD compares: Non-Finnish European, 0.000085%; no homozygotes.

Submission:

Labcorp Genetics (formerly Invitae), Labcorp
Classification: Uncertain significance. Last evaluated: 2024-01-10. Review status: criteria provided, single submitter. Criteria: Invitae Variant Classification Sherloc (09022015). Collection method: clinical testing. Allele origin: germline.
Comment: This sequence change replaces threonine, which is neutral and polar, with alanine, which is neutral and non-polar, at codon 1461 of the NSD1 protein (p.Thr1461Ala). This variant is not present in population databases (gnomAD no frequency). This variant has not been reported in the literature in individuals affected with NSD1-related conditions. Algorithms developed to predict the effect of missense changes on protein structure and function output the following: SIFT: "Not Available"; PolyPhen-2: "Benign"; Align-GVGD: "Not Available". The alanine amino acid residue is found in multiple mammalian species, which suggests that this missense change does not adversely affect protein function. In summary, the available evidence is currently insufficient to determine the role of this variant in disease. Therefore, it has been classified as a Variant of Uncertain Significance.

NM_022455.5(NSD1):c.4381A>G (p.Thr1461Ala)

Gene: NSD1 (nuclear receptor binding SET domain protein 1; plus strand). Cytogenetic location: 5q35.3.
Variant type: single nucleotide variant.
Coding change: c.4381A>G on transcript NM_022455.5 (MANE Select); coding-DNA position 4381, A replaced by G.
Protein change: p.Thr1461Ala; replaces threonine 1461 with alanine.
Molecular consequence: missense variant.
Genome position (GRCh38, 1-based): chr5:177,246,680, A>G. VCF-style: chr5-177246680-A-G. GRCh37 (hg19) VCF-style: chr5-176673681-A-G.
Other names: c.3508A>G, p.Thr1170Ala (NM_001409308.1, NM_001409309.1, NM_172349.5 and 3 more transcripts); c.4381A>G, p.Thr1461Ala (NM_001409301.1, NM_001409302.1, NM_001409303.1); c.3961A>G, p.Thr1321Ala (NM_001409304.1); c.3628A>G, p.Thr1210Ala (NM_001409305.1); short protein forms T1170A, T1210A, T1321A, T1461A.
Identifiers: ClinVar variation 3605008 (VCV003605008.2).